The following is an entry in ClinVar:

NM_001082486.1(ACD):c.28G>A (p.Ala10Thr)

Gene: ACD (ACD shelterin complex subunit and telomerase recruitment factor; minus strand). Cytogenetic location: 16q22.1.
Variant type: single nucleotide variant.
Coding change: c.28G>A on transcript NM_001082486.1; coding-DNA position 28, G replaced by A.
Protein change: p.Ala10Thr; replaces alanine 10 with threonine.
Genome position (GRCh38, 1-based): chr16:67,660,451, C>T on the plus strand (G>A on the coding strand, the complement: ACD is on the minus strand). VCF-style: chr16-67660451-C-T. GRCh37 (hg19) VCF-style: chr16-67694354-C-T.
Other names: short protein forms A10T.
Identifiers: ClinVar variation 3261505 (VCV003261505.1).
Genomic context (GRCh38, chr16:67,660,451, plus strand): 5'-GCAGACTCCCGCTGGTCCACCCCGCTGGTGCACGGGATGCTGGCCCGTTTACTCTCATCG[C>T]GGCGTCACTCTGACAGCGGCCAGGCATTTGGGCCGTTCGTCAAGATTCCTGTGGTACCGG-3'

ClinVar aggregate classification (germline): Uncertain significance (1 of 4 stars; one submission).

Conditions:
Inborn genetic diseases. Identifiers: MedGen C0950123, MeSH D030342.

Submission:

Ambry Genetics
Classification: Uncertain significance for Inborn genetic diseases. Last evaluated: 2024-03-25. Review status: criteria provided, single submitter. Criteria: Ambry Variant Classification Scheme 2023. Collection method: clinical testing. Allele origin: germline.
Comment: The p.A10T variant (also known as c.28G>A), located in coding exon 1 of the ACD gene, results from a G to A substitution at nucleotide position 28. The alanine at codon 10 is replaced by threonine, an amino acid with similar properties. This amino acid position is conserved. In addition, this alteration is predicted to be tolerated by in silico analysis. Based on the available evidence, the clinical significance of this alteration remains unclear.